The following is an entry in ClinVar:

ClinVar aggregate classification (germline): Uncertain significance (1 of 4 stars; one submission).

Conditions:
Charcot-Marie-Tooth disease type 2. Also called: Charcot-Marie-Tooth type 2. Identifiers: Orphanet 64746, MedGen C0270914, MONDO:0018993.

Allele frequency attached by ClinVar (database versions not stated): gnomAD exomes below 0.00001.
gnomAD v4.1: 3 of 1,614,142 alleles (0.00019%); highest among the groups gnomAD compares: Non-Finnish European, 0.00025%; no homozygotes.

Submission:

Labcorp Genetics (formerly Invitae), Labcorp
Classification: Uncertain significance for Charcot-Marie-Tooth disease type 2. Last evaluated: 2023-08-23. Review status: criteria provided, single submitter. Criteria: Invitae Variant Classification Sherloc (09022015). Collection method: clinical testing. Allele origin: germline.
Comment: In summary, the available evidence is currently insufficient to determine the role of this variant in disease. Therefore, it has been classified as a Variant of Uncertain Significance. Advanced modeling of protein sequence and biophysical properties (such as structural, functional, and spatial information, amino acid conservation, physicochemical variation, residue mobility, and thermodynamic stability) has been performed at Invitae for this missense variant, however the output from this modeling did not meet the statistical confidence thresholds required to predict the impact of this variant on GARS protein function. This variant has not been reported in the literature in individuals affected with GARS-related conditions. This variant is not present in population databases (gnomAD no frequency). This sequence change replaces arginine, which is basic and polar, with histidine, which is basic and polar, at codon 657 of the GARS protein (p.Arg657His).

NM_002047.4(GARS1):c.1970G>A (p.Arg657His)

Gene: GARS1 (glycyl-tRNA synthetase 1; plus strand). Cytogenetic location: 7p14.3.
Variant type: single nucleotide variant.
Coding change: c.1970G>A on transcript NM_002047.4 (MANE Select); coding-DNA position 1970, G replaced by A.
Protein change: p.Arg657His; replaces arginine 657 with histidine.
Molecular consequence: missense variant.
Genome position (GRCh38, 1-based): chr7:30,632,313, G>A. VCF-style: chr7-30632313-G-A. GRCh37 (hg19) VCF-style: chr7-30671929-G-A.
Other names: c.1808G>A, p.Arg603His (NM_001316772.1); short protein forms R603H, R657H.
Identifiers: ClinVar variation 2754365 (VCV002754365.3), dbSNP rs768342741, ClinGen allele CA156060917.
Genomic context (GRCh38, chr7:30,632,313, plus strand): 5'-CCCTGACCAGGCATGGAGTATCTCACAAAGTAGACGATTCCTCTGGGTCAATCGGAAGGC[G>A]CTATGCCAGGACTGATGAGATTGGCGTGGCTTTTGGTGTCACCATTGACTTTGACACAGT-3'
Protein context (NP_002038.2, residues 647-667): VDDSSGSIGR[Arg657His]YARTDEIGVA